The following is an entry in ClinVar:

NM_018238.4(AGK):c.461T>C (p.Leu154Pro)

Gene: AGK (acylglycerol kinase; plus strand). Cytogenetic location: 7q34.
Variant type: single nucleotide variant.
Coding change: c.461T>C on transcript NM_018238.4 (MANE Select); coding-DNA position 461, T replaced by C.
Protein change: p.Leu154Pro; replaces leucine 154 with proline.
Molecular consequence: missense variant.
Genome position (GRCh38, 1-based): chr7:141,615,508, T>C. VCF-style: chr7-141615508-T-C. GRCh37 (hg19) VCF-style: chr7-141315308-T-C.
Other names: p.Leu154Pro; c.461T>C, p.Leu154Pro (NM_001364948.3); short protein forms L154P.
Identifiers: ClinVar variation 4541340 (VCV004541340.1).

ClinVar aggregate classification (germline): Uncertain significance (1 of 4 stars; one submission).

gnomAD v4.1: 37 of 1,613,886 alleles (0.0023%); highest among the groups gnomAD compares: Non-Finnish European, 0.0031%; no homozygotes.

Submission:

Mayo Clinic Laboratories, Mayo Clinic
Classification: Uncertain significance. Last evaluated: 2025-02-05. Review status: criteria provided, single submitter. Criteria: ACMG Guidelines, 2015. Collection method: clinical testing. Allele origin: germline. Observed: 1 variant allele.
Comment: PM2_supporting